The following is an entry in ClinVar:

NM_001128148.3(TFRC):c.808A>T (p.Asn270Tyr)

Gene: TFRC (transferrin receptor; minus strand). Cytogenetic location: 3q29.
Variant type: single nucleotide variant.
Coding change: c.808A>T on transcript NM_001128148.3 (MANE Select); coding-DNA position 808, A replaced by T.
Protein change: p.Asn270Tyr; replaces asparagine 270 with tyrosine.
Molecular consequence: missense variant. On other transcripts: 5 prime UTR variant (1).
Genome position (GRCh38, 1-based): chr3:196,068,124, T>A on the plus strand (A>T on the coding strand, the complement: TFRC is on the minus strand). VCF-style: chr3-196068124-T-A. GRCh37 (hg19) VCF-style: chr3-195794995-T-A.
Other names: c.565A>T, p.Asn189Tyr (NM_001313965.2); c.-39A>T (NM_001313966.2); c.808A>T, p.Asn270Tyr (NM_003234.4); c.808A>T (NM_003234.2); short protein forms N189Y, N270Y.
Identifiers: ClinVar variation 2761679 (VCV002761679.4), dbSNP rs563942755, ClinGen allele CA90755617.

ClinVar aggregate classification (germline): Uncertain significance. Review status: criteria provided, multiple submitters, no conflicts (2 of 4 stars). 2 submissions from 2 submitters: Uncertain significance (2). Last evaluated 2024-09-27.

Conditions:
Inborn genetic diseases. Identifiers: MedGen C0950123, MeSH D030342.

gnomAD v4.1: 1 of 1,610,814 alleles (0.000062%); highest among the groups gnomAD compares: African/African-American, 0.0013%; no homozygotes.

Submissions (2):

Ambry Genetics
Classification: Uncertain significance for Inborn genetic diseases. Last evaluated: 2024-09-27. Review status: criteria provided, single submitter. Criteria: Ambry Variant Classification Scheme 2023. Collection method: clinical testing. Allele origin: germline.

Labcorp Genetics (formerly Invitae), Labcorp
Classification: Uncertain significance. Last evaluated: 2023-10-05. Review status: criteria provided, single submitter. Criteria: Invitae Variant Classification Sherloc (09022015). Collection method: clinical testing. Allele origin: germline.
Comment: This sequence change replaces asparagine, which is neutral and polar, with tyrosine, which is neutral and polar, at codon 270 of the TFRC protein (p.Asn270Tyr). This variant is present in population databases (no rsID available, gnomAD 0.01%). This variant has not been reported in the literature in individuals affected with TFRC-related conditions. Advanced modeling of protein sequence and biophysical properties (such as structural, functional, and spatial information, amino acid conservation, physicochemical variation, residue mobility, and thermodynamic stability) performed at Invitae indicates that this missense variant is expected to disrupt TFRC protein function. In summary, the available evidence is currently insufficient to determine the role of this variant in disease. Therefore, it has been classified as a Variant of Uncertain Significance.